The following is an entry in ClinVar:

NM_001003694.2(BRPF1):c.940C>T (p.Gln314Ter)

Gene: BRPF1 (bromodomain and PHD finger containing 1; plus strand). Cytogenetic location: 3p25.3.
Variant type: single nucleotide variant.
Coding change: c.940C>T on transcript NM_001003694.2 (MANE Select); coding-DNA position 940, C replaced by T.
Protein change: p.Gln314Ter; replaces glutamine 314 with a stop codon.
Molecular consequence: nonsense. On other transcripts: non-coding transcript variant (1).
Genome position (GRCh38, 1-based): chr3:9,739,339, C>T. VCF-style: chr3-9739339-C-T. GRCh37 (hg19) VCF-style: chr3-9781023-C-T.
Other names: c.940C>T, p.Gln314Ter (NM_001319049.2, NM_001319050.2, NM_001410704.1 and 1 more transcripts); short protein forms Q314*.
Identifiers: ClinVar variation 2691274 (VCV002691274.1), dbSNP rs2471470926, ClinGen allele CA351685992.
Genomic context (GRCh38, chr3:9,739,339, plus strand): 5'-GACATGTGCAACCTGGCCGTGCACCAGGAGTGCTACGGTGTCCCCTATATCCCTGAGGGC[C>T]AGTGGCTGTGCCGCCGTTGCCTGCAGTCACCCTCTCGTGCTGTGGATTGTGCCCTGTGCC-3'

ClinVar aggregate classification (germline): Pathogenic (1 of 4 stars; one submission).

Conditions:
Intellectual developmental disorder with dysmorphic facies and ptosis (IDDDFP). Identifiers: Orphanet 698090, MedGen C4310617, MONDO:0015022, OMIM 617333.

Submission:

Women's Health and Genetics/Laboratory Corporation of America, LabCorp
Classification: Pathogenic for Intellectual developmental disorder with dysmorphic facies and ptosis. Last evaluated: 2023-12-15. Review status: criteria provided, single submitter. Criteria: LabCorp Variant Classification Summary - May 2015. Collection method: clinical testing. Allele origin: germline.
Comment: Variant summary: BRPF1 c.940C>T (p.Gln314X) results in a premature termination codon and is predicted to cause absence of the protein due to nonsense mediated decay, a commonly known mechanism for disease. The variant was absent in 251384 control chromosomes (gnomAD). To our knowledge, no occurrence of c.940C>T in individuals affected with Intellectual Developmental Disorder With Dysmorphic Facies And Ptosis and no experimental evidence demonstrating its impact on protein function have been reported in the literature. No submitters have cited clinical-significance assessments for this variant to ClinVar after 2014. Based on the evidence outlined above, the variant was classified as pathogenic.